The following is an entry in ClinVar:

ClinVar aggregate classification (germline): Likely pathogenic. Review status: criteria provided, multiple submitters, no conflicts (2 of 4 stars). 2 submissions from 2 submitters: Likely pathogenic (2). Last evaluated 2025-12-03.

Conditions:
Biotinidase deficiency. Also called: BTD deficiency; Late-onset biotin-responsive multiple carboxylase deficiency; Biotin deficiency. Identifiers: Orphanet 79241, MedGen C0220754, MONDO:0009665, OMIM 253260.

Submissions (2):

Labcorp Genetics (formerly Invitae), Labcorp
Classification: Likely pathogenic for Biotinidase deficiency. Last evaluated: 2025-12-03. Review status: criteria provided, single submitter. Criteria: Invitae Variant Classification Sherloc (09022015). Collection method: clinical testing. Allele origin: germline.
Comment: This sequence change replaces leucine, which is neutral and non-polar, with proline, which is neutral and non-polar, at codon 155 of the BTD protein (p.Leu155Pro). This variant is not present in population databases (gnomAD no frequency). This missense change has been observed in individual(s) with biotinidase deficiency (PMID: 29359854). ClinVar contains an entry for this variant (Variation ID: 3907157). Invitae Evidence Modeling of protein sequence and biophysical properties (such as structural, functional, and spatial information, amino acid conservation, physicochemical variation, residue mobility, and thermodynamic stability) indicates that this missense variant is expected to disrupt BTD protein function with a positive predictive value of 95%. In summary, the currently available evidence indicates that the variant is pathogenic, but additional data are needed to prove that conclusively. Therefore, this variant has been classified as Likely Pathogenic.

Women's Health and Genetics/Laboratory Corporation of America, LabCorp
Classification: Likely pathogenic for Biotinidase deficiency. Last evaluated: 2025-06-27. Review status: criteria provided, single submitter. Criteria: LabCorp Variant Classification Summary - May 2015. Collection method: clinical testing. Allele origin: germline.
Comment: Variant summary: BTD c.404T>C (p.Leu135Pro) results in a non-conservative amino acid change in the encoded protein sequence. Algorithms developed to predict the effect of missense changes on protein structure and function all suggest that this variant is likely to be disruptive. The variant was absent in 250486 control chromosomes. c.404T>C has been observed in a compound heterozygous individual affected with Biotinidase Deficiency (Liu_2018). At least one publication reports experimental evidence evaluating an impact on protein function. The most pronounced variant effect results in only 1.2% of normal activity (Liu_2018). The following publication have been ascertained in the context of this evaluation (PMID: 29359854). No submitters have cited clinical-significance assessments for this variant to ClinVar. Based on the evidence outlined above, the variant was classified as likely pathogenic.

Literature cited by the submitters: PubMed 29359854 (cited by Labcorp Genetics (formerly Invitae), Labcorp and Women's Health and Genetics/Laboratory Corporation of America, LabCorp).

NM_001370658.1(BTD):c.404T>C (p.Leu135Pro)

Gene: BTD (biotinidase; plus strand). Cytogenetic location: 3p25.1.
Variant type: single nucleotide variant.
Coding change: c.404T>C on transcript NM_001370658.1 (MANE Select); coding-DNA position 404, T replaced by C.
Protein change: p.Leu135Pro; replaces leucine 135 with proline.
Molecular consequence: missense variant. On other transcripts: intron variant (6).
Genome position (GRCh38, 1-based): chr3:15,644,320, T>C. VCF-style: chr3-15644320-T-C. GRCh37 (hg19) VCF-style: chr3-15685827-T-C.
Other names: c.404T>C, p.Leu135Pro (NM_001281723.4, NM_001281724.3, NM_001281725.3 and 18 more transcripts); c.399+2263T>C (NM_001370753.1, NM_001407400.1, NM_001407380.1 and 3 more transcripts); short protein forms L135P.
Identifiers: ClinVar variation 3907157 (VCV003907157.2).
Genomic context (GRCh38, chr3:15,644,320, plus strand): 5'-ACAGTGCTGGGATTACAGGCAAAAACCTCATTTATTTACACCTTTTTTTCCTCTAGGTGC[T>C]CCAGCGCCTGAGTTGTATGGCCATCAGGGGAGATATGTTCTTGGTGGCCAATCTTGGGAC-3'
Protein context (NP_001357587.1, residues 125-145): EPHRFNDTEV[Leu135Pro]QRLSCMAIRG